The following is an entry in ClinVar:

ClinVar aggregate classification (germline): Benign. Review status: criteria provided, multiple submitters, no conflicts (2 of 4 stars). 5 submissions from 5 submitters: Benign (4). 1 of the submissions does not count toward it. Last evaluated 2026-02-04.

Conditions:
Immunodeficiency 63 with lymphoproliferation and autoimmunity. Also called: INTERLEUKIN 2 RECEPTOR, BETA, DEFICIENCY OF; IL2RB DEFICIENCY; CD122 DEFICIENCY. Identifiers: MedGen C5193126, MONDO:0032782, OMIM 618495.
IL2RB-related disorder. Also called: IL2RB-related condition.

Allele frequency attached by ClinVar (database versions not stated): gnomAD exomes 0.15624 and 0.16210; ESP Exome Variant Server 0.16638; ExAC 0.20954; gnomAD 0.17103 and 0.16840; TOPMed 0.15837; 1000 Genomes Project 30x 0.19285; 1000 Genomes Project 0.19369.
gnomAD v4.1: 252,291 of 1,602,892 alleles (16%); highest among the groups gnomAD compares: South Asian, 27%; 21,598 homozygotes.

Submissions (5):

Labcorp Genetics (formerly Invitae), Labcorp
Classification: Benign. Last evaluated: 2026-02-04. Review status: criteria provided, single submitter. Criteria: Invitae Variant Classification Sherloc (09022015). Collection method: clinical testing. Allele origin: germline.

Mayo Clinic Laboratories, Mayo Clinic
Classification: Benign. Last evaluated: 2022-09-06. Review status: criteria provided, single submitter. Criteria: ACMG Guidelines, 2015. Collection method: clinical testing. Allele origin: germline. Observed: 203 variant alleles.

Genome-Nilou Lab
Classification: Benign for Immunodeficiency 63 with lymphoproliferation and autoimmunity. Last evaluated: 2021-08-19. Review status: criteria provided, single submitter. Criteria: ACMG Guidelines, 2015. Collection method: clinical testing. Allele origin: germline. Affected: no.

Breakthrough Genomics
Classification: Benign. Review status: criteria provided, single submitter. Criteria: ACMG Guidelines, 2015. Collection method: not provided. Allele origin: germline. Inheritance: Autosomal recessive inheritance. Affected: yes.

PreventionGenetics, part of Exact Sciences
Classification: Benign for IL2RB-related condition. Last evaluated: 2019-11-06. Review status: no assertion criteria provided. Collection method: clinical testing. Allele origin: germline. Not counted in ClinVar's aggregate classification.
Comment: This variant is classified as benign based on ACMG/AMP sequence variant interpretation guidelines (Richards et al. 2015 PMID: 25741868, with internal and published modifications).

NM_000878.5(IL2RB):c.538-8C>T

Gene: IL2RB (interleukin 2 receptor subunit beta; minus strand). Cytogenetic location: 22q12.3.
Variant type: single nucleotide variant.
Coding change: c.538-8C>T on transcript NM_000878.5 (MANE Select); 8 bases into the intron before coding-DNA position 538, C replaced by T.
Molecular consequence: intron variant.
Genome position (GRCh38, 1-based): chr22:37,136,401, G>A on the plus strand (C>T on the coding strand, the complement: IL2RB is on the minus strand). VCF-style: chr22-37136401-G-A. GRCh37 (hg19) VCF-style: chr22-37532441-G-A.
Other names: p.?; c.538-8C>T (NM_001346222.1, NM_001346223.2, NM_000878.4).
Identifiers: ClinVar variation 1165221 (VCV001165221.15), dbSNP rs3218297, ClinGen allele CA10216584.